The following is an entry in ClinVar:

NC_012920.1(MT-CO3):m.9660A>G

Gene: MT-CO3 (mitochondrially encoded cytochrome c oxidase III; plus strand).
Variant type: single nucleotide variant.
Genome position: chrM-9660-A-G.
Identifiers: ClinVar variation 693200 (VCV000693200.1), dbSNP rs1603222423, ClinGen allele CA414803426.
Genomic context (GRCh38, chrMT:9,660, plus strand): 5'-CTAAACACATCCGTATTACTCGCATCAGGAGTATCAATCACCTGAGCTCACCATAGTCTA[A>G]TAGAAAACAACCGAAACCAAATAATTCAAGCACTGCTTATTACAATTTTACTGGGTCTCT-3'

ClinVar aggregate classification (germline): Likely benign (1 of 4 stars; one submission).

Conditions:
Leigh syndrome (NULS). Also called: Leigh's necrotizing encephalopathy; Leigh's disease; Leigh Syndrome (mtDNA deletion); Leigh Disease; Subacute necrotizing encephalopathy; Necrotizing encephalopathy infantile subacute of Leigh. Identifiers: Orphanet 506, MedGen C2931891, MONDO:0009723, OMIM 256000.

Submission:

Wong Mito Lab, Molecular and Human Genetics, Baylor College of Medicine
Classification: Likely benign for Leigh syndrome. Last evaluated: 2019-10-17. Review status: criteria provided, single submitter. Criteria: Modified ACMG Guidelines (Unpublished). Collection method: clinical testing. Allele origin: germline.
Comment: The NC_012920.1:m.9660A>G (YP_003024032.1:p.Met152Val) variant in MTCO3 gene is interpretated to be a Likely Benign variant based on the modified ACMG guidelines (unpublished). This variant meets the following evidence codes: BS4, BP6